The following is an entry in ClinVar:

NM_020975.6(RET):c.3058G>C (p.Ala1020Pro)

Gene: RET (ret proto-oncogene; plus strand). Cytogenetic location: 10q11.21.
Variant type: single nucleotide variant.
Coding change: c.3058G>C on transcript NM_020975.6 (MANE Select); coding-DNA position 3058, G replaced by C.
Protein change: p.Ala1020Pro; replaces alanine 1020 with proline.
Molecular consequence: missense variant.
Genome position (GRCh38, 1-based): chr10:43,126,593, G>C. VCF-style: chr10-43126593-G-C. GRCh37 (hg19) VCF-style: chr10-43622041-G-C.
Other names: c.3058G>C, p.Ala1020Pro (NM_000323.2, NM_001406743.1, NM_001406744.1 and 4 more transcripts); c.2296G>C, p.Ala766Pro (NM_001355216.2); c.2929G>C, p.Ala977Pro (NM_001406761.1, NM_001406762.1, NM_001406764.1); c.2923G>C, p.Ala975Pro (NM_001406763.1, NM_001406765.1); c.2770G>C, p.Ala924Pro (NM_001406766.1, NM_001406767.1, NM_001406770.1); c.2794G>C, p.Ala932Pro (NM_001406768.1); c.2662G>C, p.Ala888Pro (NM_001406769.1, NM_001406772.1); c.2620G>C, p.Ala874Pro (NM_001406771.1, NM_001406773.1); and 10 more; short protein forms A1020P, A585P, A676P, A681P, A721P, A845P, A625P, A678P.
Identifiers: ClinVar variation 2866789 (VCV002866789.3), dbSNP rs2133033379, ClinGen allele CA376558305.

ClinVar aggregate classification (germline): Uncertain significance (1 of 4 stars; one submission).

Conditions:
Multiple endocrine neoplasia, type 2 (MEN2). Identifiers: Orphanet 653, MedGen C4048306, MONDO:0019003. Disease mechanism: gain of function.

Submission:

Labcorp Genetics (formerly Invitae), Labcorp
Classification: Uncertain significance for Multiple endocrine neoplasia, type 2. Last evaluated: 2023-05-22. Review status: criteria provided, single submitter. Criteria: Invitae Variant Classification Sherloc (09022015). Collection method: clinical testing. Allele origin: germline.
Comment: In summary, the available evidence is currently insufficient to determine the role of this variant in disease. Therefore, it has been classified as a Variant of Uncertain Significance. An algorithm developed to predict the effect of missense changes on protein structure and function (PolyPhen-2) suggests that this variant is likely to be tolerated. This variant is not present in population databases (gnomAD no frequency). This sequence change replaces alanine, which is neutral and non-polar, with proline, which is neutral and non-polar, at codon 1020 of the RET protein (p.Ala1020Pro). This variant has not been reported in the literature in individuals affected with RET-related conditions.